The following is an entry in ClinVar:

ClinVar aggregate classification (germline): Conflicting classifications of pathogenicity. Review status: criteria provided, conflicting classifications (1 of 4 stars). 6 submissions from 5 submitters: Uncertain significance (5); Benign (1). Last evaluated 2026-01-27.

Conditions:
MYH9-related disorder. Identifiers: MedGen C1854520.
Autosomal dominant nonsyndromic hearing loss 17. Also called: Deafness, autosomal dominant 17; Autosomal dominant nonsyndromic deafness 17. Identifiers: Orphanet 90635, MedGen C1863659, MONDO:0011350, OMIM 603622.
Macrothrombocytopenia and granulocyte inclusions with or without nephritis or sensorineural hearing loss (MATINS). Also called: MAY-HEGGLIN ANOMALY; MYH9-Related Disease (MYH9-RD); BLEEDING DISORDER, PLATELET-TYPE, 6; SEBASTIAN PLATELET SYNDROME; MACROTHROMBOCYTOPENIA WITH DISPERSED LEUKOCYTIC INCLUSIONS; MACROTHROMBOCYTOPENIA, NEPHRITIS, AND DEAFNESS. Identifiers: Orphanet 182050, MedGen C5200934, MONDO:0015912, OMIM 155100.

Allele frequency attached by ClinVar (database versions not stated): TOPMed 0.00007.
gnomAD v4.1: 70 of 1,614,024 alleles (0.0043%); highest among the groups gnomAD compares: African/African-American, 0.0067%; no homozygotes.

Submissions (6):

PreventionGenetics, part of Exact Sciences
Classification: Uncertain significance for MYH9-related condition. Last evaluated: 2026-01-27. Review status: criteria provided, single submitter. Criteria: ACMG Guidelines, 2015. Collection method: clinical testing. Allele origin: germline.
Comment: The MYH9 c.3677G>A variant is predicted to result in the amino acid substitution p.Arg1226Gln. To our knowledge, this variant has not been reported in the literature. This variant is reported in 0.0085% of alleles in individuals of Latino descent in gnomAD. At this time, the clinical significance of this variant is uncertain due to the absence of conclusive functional and genetic evidence.

Labcorp Genetics (formerly Invitae), Labcorp
Classification: Benign. Last evaluated: 2026-01-22. Review status: criteria provided, single submitter. Criteria: Invitae Variant Classification Sherloc (09022015). Collection method: clinical testing. Allele origin: germline.

GeneDx
Classification: Uncertain significance. Last evaluated: 2024-12-02. Review status: criteria provided, single submitter. Criteria: GeneDx Variant Classification Process June 2021. Collection method: clinical testing. Allele origin: germline. Affected: yes.
Comment: In silico analysis indicates that this missense variant does not alter protein structure/function; Has not been previously published as pathogenic or benign to our knowledge

Fulgent Genetics
Classification: Uncertain significance for Macrothrombocytopenia and granulocyte inclusions with or without nephritis or sensorineural hearing loss; Autosomal dominant nonsyndromic hearing loss 17. Last evaluated: 2024-05-17. Review status: criteria provided, single submitter. Criteria: ACMG Guidelines, 2015. Collection method: clinical testing. Allele origin: germline.

Illumina Laboratory Services, Illumina
Classification: Uncertain significance for Autosomal dominant nonsyndromic hearing loss 17. Last evaluated: 2018-01-12. Review status: criteria provided, single submitter. Criteria: ICSL Variant Classification Criteria 13 December 2019. Collection method: clinical testing. Allele origin: germline.

Illumina Laboratory Services, Illumina
Classification: Uncertain significance for MYH9-related disorder. Last evaluated: 2018-01-12. Review status: criteria provided, single submitter. Criteria: ICSL Variant Classification Criteria 13 December 2019. Collection method: clinical testing. Allele origin: germline.

NM_002473.6(MYH9):c.3677G>A (p.Arg1226Gln)

Gene: MYH9 (myosin heavy chain 9; minus strand). Cytogenetic location: 22q12.3.
Variant type: single nucleotide variant.
Coding change: c.3677G>A on transcript NM_002473.6 (MANE Select); coding-DNA position 3677, G replaced by A.
Protein change: p.Arg1226Gln; replaces arginine 1226 with glutamine.
Molecular consequence: missense variant.
Genome position (GRCh38, 1-based): chr22:36,294,252, C>T on the plus strand (G>A on the coding strand, the complement: MYH9 is on the minus strand). VCF-style: chr22-36294252-C-T. GRCh37 (hg19) VCF-style: chr22-36690298-C-T.
Other names: c.3677G>A (NM_002473.5); short protein forms R1226Q.
Identifiers: ClinVar variation 341511 (VCV000341511.13), dbSNP rs200697030, ClinGen allele CA10209593.